The following is an entry in ClinVar:

ClinVar aggregate classification (germline): Uncertain significance (1 of 4 stars; one submission).

Conditions:
Peroxisome biogenesis disorder 11A (Zellweger). Also called: Peroxisome biogenesis disorder 11A. Identifiers: Orphanet 912, MedGen C3554000, MONDO:0013949, OMIM 614883.

Submission:

Labcorp Genetics (formerly Invitae), Labcorp
Classification: Uncertain significance for Peroxisome biogenesis disorder 11A (Zellweger). Last evaluated: 2025-02-10. Review status: criteria provided, single submitter. Criteria: Invitae Variant Classification Sherloc (09022015). Collection method: clinical testing. Allele origin: germline.
Comment: This sequence change replaces serine, which is neutral and polar, with threonine, which is neutral and polar, at codon 345 of the PEX13 protein (p.Ser345Thr). This variant is not present in population databases (gnomAD no frequency). This variant has not been reported in the literature in individuals affected with PEX13-related conditions. ClinVar contains an entry for this variant (Variation ID: 1386734). Invitae Evidence Modeling of protein sequence and biophysical properties (such as structural, functional, and spatial information, amino acid conservation, physicochemical variation, residue mobility, and thermodynamic stability) indicates that this missense variant is not expected to disrupt PEX13 protein function with a negative predictive value of 80%. In summary, the available evidence is currently insufficient to determine the role of this variant in disease. Therefore, it has been classified as a Variant of Uncertain Significance.

NM_002618.4(PEX13):c.1033T>A (p.Ser345Thr)

Gene: PEX13 (peroxisomal biogenesis factor 13; plus strand). Cytogenetic location: 2p15.
Variant type: single nucleotide variant.
Coding change: c.1033T>A on transcript NM_002618.4 (MANE Select); coding-DNA position 1033, T replaced by A.
Protein change: p.Ser345Thr; replaces serine 345 with threonine.
Molecular consequence: missense variant.
Genome position (GRCh38, 1-based): chr2:61,048,591, T>A. VCF-style: chr2-61048591-T-A. GRCh37 (hg19) VCF-style: chr2-61275726-T-A.
Other names: short protein forms S345T.
Identifiers: ClinVar variation 1386734 (VCV001386734.6), dbSNP rs2104814598, ClinGen allele CA346949849.